The following is an entry in ClinVar:

ClinVar aggregate classification (germline): Uncertain significance (1 of 4 stars; one submission).

gnomAD v4.1: 9 of 1,613,780 alleles (0.00056%); highest among the groups gnomAD compares: Non-Finnish European, 0.00076%; no homozygotes.

Submission:

GeneDx
Classification: Uncertain significance. Last evaluated: 2017-03-27. Review status: criteria provided, single submitter. Criteria: GeneDx Variant Classification (06012015). Collection method: clinical testing. Allele origin: germline. Affected: yes.
Comment: The F471L variant in the FOXRED1 gene has not been reported previously as a pathogenic variant, nor as a benign variant, to our knowledge. The F471L variant is not observed in large population cohorts (Lek et al., 2016; 1000 Genomes Consortium et al., 2015; Exome Variant Server). The F471L variant is a conservative amino acid substitution, which is not likely to impact secondary protein structure as these residues share similar properties. This substitution occurs at a position where amino acids with similar properties to Phenylalanine are tolerated across species. In silico analysis predicts this variant is probably damaging to the protein structure/function. We interpret F471L as a variant of uncertain significance.

NM_017547.4(FOXRED1):c.1413T>G (p.Phe471Leu)

Gene: FOXRED1 (FAD dependent oxidoreductase domain containing 1; plus strand). Cytogenetic location: 11q24.2.
Variant type: single nucleotide variant.
Coding change: c.1413T>G on transcript NM_017547.4 (MANE Select); coding-DNA position 1413, T replaced by G.
Protein change: p.Phe471Leu; replaces phenylalanine 471 with leucine.
Molecular consequence: missense variant. On other transcripts: non-coding transcript variant (2).
Genome position (GRCh38, 1-based): chr11:126,277,641, T>G. VCF-style: chr11-126277641-T-G. GRCh37 (hg19) VCF-style: chr11-126147536-T-G.
Other names: short protein forms F471L.
Identifiers: ClinVar variation 424277 (VCV000424277.2), dbSNP rs1064796894, ClinGen allele CA16619290.